The following is an entry in ClinVar:

NM_014846.4(WASHC5):c.48A>T (p.Leu16=)

Gene: WASHC5 (WASH complex subunit 5; minus strand). Cytogenetic location: 8q24.13.
Variant type: single nucleotide variant.
Coding change: c.48A>T on transcript NM_014846.4 (MANE Select); coding-DNA position 48, A replaced by T.
Protein change: p.Leu16=; no amino-acid change (leucine 16 retained).
Molecular consequence: synonymous variant. On other transcripts: intron variant (1).
Genome position (GRCh38, 1-based): chr8:125,083,851, T>A on the plus strand (A>T on the coding strand, the complement: WASHC5 is on the minus strand). VCF-style: chr8-125083851-T-A. GRCh37 (hg19) VCF-style: chr8-126096093-T-A.
Other names: c.-258-593A>T (NM_001330609.2).
Identifiers: ClinVar variation 4681523 (VCV004681523.5).
Genomic context (GRCh38, chr8:125,083,851, plus strand): 5'-AATAAACTCAGAGAGTCTCAAAAGTTCAGCAATGATGGCATTACCACAGGAAACAATCCT[T>A]AGGATTGCTTGGCCACAGAGGTTGTTCTCGGCTAGAAAGTCCAACATTGTGAGGCGGACC-3'
Protein context (NP_055661.3, residues 6-26): AENNLCGQAI[Leu16=]RIVSCGNAII

ClinVar aggregate classification (germline): Likely benign (1 of 4 stars; one submission).

Submission:

CeGaT Center for Human Genetics Tuebingen
Classification: Likely benign. Last evaluated: 2026-03-01. Review status: criteria provided, single submitter. Criteria: CeGaT Center For Human Genetics Tuebingen Variant Classification Criteria Version 2. Collection method: clinical testing. Allele origin: germline. Affected: yes. Observed: 2 variant alleles.
Comment: WASHC5: PM2:Supporting, BP4, BP7